The following is an entry in ClinVar:

NM_017950.4(CCDC40):c.2499G>C (p.Met833Ile)

Gene: CCDC40 (coiled-coil domain 40 molecular ruler complex subunit; plus strand). Cytogenetic location: 17q25.3.
Variant type: single nucleotide variant.
Coding change: c.2499G>C on transcript NM_017950.4 (MANE Select); coding-DNA position 2499, G replaced by C.
Protein change: p.Met833Ile; replaces methionine 833 with isoleucine.
Molecular consequence: missense variant.
Genome position (GRCh38, 1-based): chr17:80,087,656, G>C. VCF-style: chr17-80087656-G-C. GRCh37 (hg19) VCF-style: chr17-78061455-G-C.
Other names: c.2499G>C, p.Met833Ile (NM_001243342.2); short protein forms M833I.
Identifiers: ClinVar variation 1792162 (VCV001792162.2), dbSNP rs2038615301, ClinGen allele CA401348457.

ClinVar aggregate classification (germline): Uncertain significance (1 of 4 stars; one submission).

Conditions:
Primary ciliary dyskinesia. Also called: Ciliary dyskinesia. Identifiers: Orphanet 244, MedGen C0008780, MONDO:0016575, HP:0012265.

Submission:

Ambry Genetics
Classification: Uncertain significance for Primary ciliary dyskinesia. Last evaluated: 2021-03-07. Review status: criteria provided, single submitter. Criteria: Ambry Variant Classification Scheme 2023. Collection method: clinical testing. Allele origin: germline.
Comment: The p.M833I variant (also known as c.2499G>C), located in coding exon 15 of the CCDC40 gene, results from a G to C substitution at nucleotide position 2499. The methionine at codon 833 is replaced by isoleucine, an amino acid with highly similar properties. This amino acid position is not well conserved in available vertebrate species. In addition, this alteration is predicted to be tolerated by in silico analysis. Since supporting evidence is limited at this time, the clinical significance of this alteration remains unclear.